The following is an entry in ClinVar:

ClinVar aggregate classification (germline): Uncertain significance (1 of 4 stars; one submission).

gnomAD v4.1: 1 of 1,613,228 alleles (0.000062%); highest among the groups gnomAD compares: Non-Finnish European, 0.000085%; no homozygotes.

Submission:

Labcorp Genetics (formerly Invitae), Labcorp
Classification: Uncertain significance. Last evaluated: 2024-10-06. Review status: criteria provided, single submitter. Criteria: Invitae Variant Classification Sherloc (09022015). Collection method: clinical testing. Allele origin: germline.
Comment: This sequence change replaces threonine, which is neutral and polar, with alanine, which is neutral and non-polar, at codon 136 of the CD40 protein (p.Thr136Ala). This variant is not present in population databases (gnomAD no frequency). This variant has not been reported in the literature in individuals affected with CD40-related conditions. An algorithm developed to predict the effect of missense changes on protein structure and function (PolyPhen-2) suggests that this variant¬†is likely to be tolerated. In summary, the available evidence is currently insufficient to determine the role of this variant in disease. Therefore, it has been classified as a Variant of Uncertain Significance.

NM_001250.6(CD40):c.406A>G (p.Thr136Ala)

Gene: CD40 (CD40 molecule; plus strand). Cytogenetic location: 20q13.12.
Variant type: single nucleotide variant.
Coding change: c.406A>G on transcript NM_001250.6 (MANE Select); coding-DNA position 406, A replaced by G.
Protein change: p.Thr136Ala; replaces threonine 136 with alanine.
Molecular consequence: missense variant. On other transcripts: intron variant (2).
Genome position (GRCh38, 1-based): chr20:46,123,128, A>G. VCF-style: chr20-46123128-A-G. GRCh37 (hg19) VCF-style: chr20-44751767-A-G.
Other names: c.406A>G, p.Thr136Ala (NM_001302753.2, NM_001322421.2, NM_001362758.2 and 1 more transcripts); c.403+372A>G (NM_001424339.1, NM_001322422.2); short protein forms T136A.
Identifiers: ClinVar variation 3632747 (VCV003632747.1).